The following is an entry in ClinVar:

NM_017433.5(MYO3A):c.859A>C (p.Ile287Leu)

Gene: MYO3A (myosin IIIA; plus strand). Cytogenetic location: 10p12.1.
Variant type: single nucleotide variant.
Coding change: c.859A>C on transcript NM_017433.5 (MANE Select); coding-DNA position 859, A replaced by C.
Protein change: p.Ile287Leu; replaces isoleucine 287 with leucine.
Molecular consequence: missense variant.
Genome position (GRCh38, 1-based): chr10:26,026,438, A>C. VCF-style: chr10-26026438-A-C. GRCh37 (hg19) VCF-style: chr10-26315367-A-C.
Other names: short protein forms I287L.
Identifiers: ClinVar variation 299648 (VCV000299648.6), dbSNP rs886046919, ClinGen allele CA10635194.

ClinVar aggregate classification (germline): Uncertain significance. Review status: criteria provided, multiple submitters, no conflicts (2 of 4 stars). 2 submissions from 2 submitters: Uncertain significance (2). Last evaluated 2020-01-22.

Conditions:
Autosomal recessive nonsyndromic hearing loss 30. Identifiers: Orphanet 90636, MedGen C1846784, MONDO:0011774, OMIM 607101.

Allele frequency attached by ClinVar (database versions not stated): gnomAD exomes below 0.00001 and 0.00001; gnomAD 0.00001; TOPMed 0.00001.
gnomAD v4.1: 15 of 1,614,050 alleles (0.00093%); highest among the groups gnomAD compares: African/African-American, 0.0013%; no homozygotes.

Submissions (2):

GeneDx
Classification: Uncertain significance. Last evaluated: 2020-01-22. Review status: criteria provided, single submitter. Criteria: GeneDx Variant Classification Process June 2021. Collection method: clinical testing. Allele origin: germline. Affected: yes.
Comment: Not observed at a significant frequency in large population cohorts (Lek et al., 2016); In silico analysis, which includes protein predictors and evolutionary conservation, supports that this variant does not alter protein structure/function; Has not been previously published as pathogenic or benign to our knowledge

Illumina Laboratory Services, Illumina
Classification: Uncertain significance for Autosomal recessive nonsyndromic hearing loss 30. Last evaluated: 2018-01-13. Review status: criteria provided, single submitter. Criteria: ICSL Variant Classification Criteria 13 December 2019. Collection method: clinical testing. Allele origin: germline.